The following is an entry in ClinVar:

ClinVar aggregate classification (germline): Uncertain significance. Review status: criteria provided, multiple submitters, no conflicts (2 of 4 stars). 2 submissions from 2 submitters: Uncertain significance (2). Last evaluated 2025-06-15.

Conditions:
Acute myeloid leukemia (AML). Also called: Leukemia, acute myeloid, somatic; Leukemia, acute myelogenous, somatic; Acute myeloid leukemia, adult; AML adult; Acute non-lymphocytic leukemia; Acute granulocytic leukemia. Identifiers: Orphanet 519, MedGen C0023467, MeSH D015470, MONDO:0018874, OMIM 601626, HP:0004808. Disease mechanism: Constitutively activated FLT3.
Inborn genetic diseases. Identifiers: MedGen C0950123, MeSH D030342.

Submissions (2):

Labcorp Genetics (formerly Invitae), Labcorp
Classification: Uncertain significance for Acute myeloid leukemia. Last evaluated: 2025-06-15. Review status: criteria provided, single submitter. Criteria: Invitae Variant Classification Sherloc (09022015). Collection method: clinical testing. Allele origin: germline.
Comment: This variant, c.305_313del, results in the deletion of 3 amino acid(s) of the CEBPA protein (p.Gly102_Gly104del), but otherwise preserves the integrity of the reading frame. This variant is not present in population databases (gnomAD no frequency). This variant has not been reported in the literature in individuals affected with CEBPA-related conditions. Experimental studies and prediction algorithms are not available or were not evaluated, and the functional significance of this variant is currently unknown. In summary, the available evidence is currently insufficient to determine the role of this variant in disease. Therefore, it has been classified as a Variant of Uncertain Significance.

Ambry Genetics
Classification: Uncertain significance for Inborn genetic diseases. Last evaluated: 2025-03-18. Review status: criteria provided, single submitter. Criteria: Ambry Variant Classification Scheme 2023. Collection method: clinical testing. Allele origin: germline.
Comment: The c.305_313delGCGGCGGCG variant (also known as p.G102_G104del) is located in coding exon 1 of the CEBPA gene. This variant results from an in-frame GCGGCGGCG deletion at nucleotide positions 305 to 313. This results in the in-frame deletion of amino acids at codons 102 to 104. This amino acid region is well conserved in available vertebrate species. In addition, this alteration is predicted to be neutral by in silico analysis (Choi Y et al. PLoS ONE. 2012; 7(10):e46688). Based on the available evidence, the clinical significance of this variant remains unclear.

NM_004364.5(CEBPA):c.296GCG[3] (p.Gly102_Gly104del)

Gene: CEBPA (CCAAT enhancer binding protein alpha; minus strand). Cytogenetic location: 19q13.11.
Variant type: Microsatellite.
Coding change: c.296GCG[3] on transcript NM_004364.5 (MANE Select); three copies in a row of the 3-base unit GCG starting at c.296; the reference has six copies in a row; three copies, 9 bases deleted.
Protein change: p.Gly102_Gly104del.
Molecular consequence: inframe deletion. On other transcripts: 5 prime UTR variant (1).
Genome position (GRCh38, 1-based): chr19:33,302,102-33,302,110, CGCCGCCGC deleted on the plus strand (GCGGCGGCG on the coding strand, the reverse complement: CEBPA is on the minus strand); deleting any 9 consecutive bases within chr19:33,302,102-33,302,120 gives the same sequence; the position shown is the placement nearest the transcript's 3' end. VCF-style (leftmost placement, unchanged base first): chr19-33302101-TCGCCGCCGC-T. GRCh37 (hg19) VCF-style: chr19-33793007-TCGCCGCCGC-T.
Other names: c.305_313delGCGGCGGCG (NM_004364.4, NM_004364.3); c.-62GCG[3] (NM_001285829.2); c.401GCG[3], p.Gly137_Gly139del (NM_001287424.2); c.254GCG[3], p.Gly88_Gly90del (NM_001287435.2).
Identifiers: ClinVar variation 565756 (VCV000565756.10), dbSNP rs780345232, ClinGen allele CA307844369.